The following is an entry in ClinVar:

ClinVar aggregate classification (germline): Uncertain significance. Review status: criteria provided, multiple submitters, no conflicts (2 of 4 stars). 4 submissions from 4 submitters: Uncertain significance (4). Last evaluated 2025-12-27.

Conditions:
Familial thoracic aortic aneurysm and aortic dissection (TAAD). Also called: Thoracic aortic aneurysms and dissections. Identifiers: Orphanet 91387, MedGen C4707243, MONDO:0019625.
Aortic aneurysm, familial thoracic 4 (AAT4). Also called: AORTIC ANEURYSM/AORTIC DISSECTION AND PATENT DUCTUS ARTERIOSUS. Identifiers: MedGen C1851504, MONDO:0007568, OMIM 132900.
Megacystis-microcolon-intestinal hypoperistalsis syndrome 2. Identifiers: MedGen C5543476, MONDO:0025708, OMIM 619351.
Visceral myopathy 2. Identifiers: MedGen C5543466, MONDO:0859157, OMIM 619350.

Allele frequency attached by ClinVar (database versions not stated): gnomAD exomes below 0.00001; gnomAD 0.00001.
gnomAD v4.1: 2 of 1,614,102 alleles (0.00012%); highest among the groups gnomAD compares: Non-Finnish European, 0.00017%; no homozygotes.

Submissions (4):

Labcorp Genetics (formerly Invitae), Labcorp
Classification: Uncertain significance for Aortic aneurysm, familial thoracic 4. Last evaluated: 2025-12-27. Review status: criteria provided, single submitter. Criteria: Invitae Variant Classification Sherloc (09022015). Collection method: clinical testing. Allele origin: germline.
Comment: This sequence change replaces methionine, which is neutral and non-polar, with valine, which is neutral and non-polar, at codon 672 of the MYH11 protein (p.Met672Val). This variant is not present in population databases (gnomAD no frequency). This variant has not been reported in the literature in individuals affected with MYH11-related conditions. ClinVar contains an entry for this variant (Variation ID: 920067). Invitae Evidence Modeling of protein sequence and biophysical properties (such as structural, functional, and spatial information, amino acid conservation, physicochemical variation, residue mobility, and thermodynamic stability) has been performed for this missense variant. However, the output from this modeling did not meet the statistical confidence thresholds required to predict the impact of this variant on MYH11 protein function. In summary, the available evidence is currently insufficient to determine the role of this variant in disease. Therefore, it has been classified as a Variant of Uncertain Significance.

Ambry Genetics
Classification: Uncertain significance for Familial thoracic aortic aneurysm and aortic dissection. Last evaluated: 2024-03-16. Review status: criteria provided, single submitter. Criteria: Ambry Variant Classification Scheme 2023. Collection method: clinical testing. Allele origin: germline.
Comment: The p.M665V variant (also known as c.1993A>G), located in coding exon 15 of the MYH11 gene, results from an A to G substitution at nucleotide position 1993. The methionine at codon 665 is replaced by valine, an amino acid with highly similar properties. This amino acid position is conserved. In addition, this alteration is predicted to be deleterious by in silico analysis. Based on the available evidence, the clinical significance of this alteration remains unclear.

Color Diagnostics, LLC DBA Color Health
Classification: Uncertain significance for Familial thoracic aortic aneurysm and aortic dissection. Last evaluated: 2023-12-05. Review status: criteria provided, single submitter. Criteria: ACMG Guidelines, 2015. Collection method: clinical testing. Allele origin: germline.
Comment: This missense variant replaces methionine with valine at codon 672 of the MYH11 protein. Computational prediction tools and conservation analyses suggest that this variant may have deleterious impact on the protein function. Computational splicing tools suggest that this variant may not impact RNA splicing. To our knowledge, functional assays have not been performed for this variant nor has this variant been reported in individuals affected with cardiovascular disorders in the literature. This variant has not been identified in the general population by the Genome Aggregation Database (gnomAD). Available evidence is insufficient to determine the role of this variant in disease conclusively. Therefore, this variant is classified as a Variant of Uncertain Significance.

Fulgent Genetics
Classification: Uncertain significance for Aortic aneurysm, familial thoracic 4; Visceral myopathy 2; Megacystis-microcolon-intestinal hypoperistalsis syndrome 2. Last evaluated: 2021-11-05. Review status: criteria provided, single submitter. Criteria: ACMG Guidelines, 2015. Collection method: clinical testing. Allele origin: unknown.

NM_002474.3(MYH11):c.1993A>G (p.Met665Val)

Gene: MYH11 (myosin heavy chain 11; minus strand). Cytogenetic location: 16p13.11.
Variant type: single nucleotide variant.
Coding change: c.1993A>G on transcript NM_002474.3 (MANE Select); coding-DNA position 1993, A replaced by G.
Protein change: p.Met665Val; replaces methionine 665 with valine.
Molecular consequence: missense variant.
Genome position (GRCh38, 1-based): chr16:15,750,203, T>C on the plus strand (A>G on the coding strand, the complement: MYH11 is on the minus strand). VCF-style: chr16-15750203-T-C. GRCh37 (hg19) VCF-style: chr16-15844060-T-C.
Other names: c.2014A>G, p.Met672Val (NM_001040113.2, NM_001040114.2); c.1993A>G, p.Met665Val (NM_022844.3); c.1993A>G (NM_002474.2); short protein forms M665V, M672V.
Identifiers: ClinVar variation 920067 (VCV000920067.8), dbSNP rs2041529040, ClinGen allele CA394868958.